The following is an entry in ClinVar:

ClinVar aggregate classification (germline): Uncertain significance (1 of 4 stars; one submission).

Conditions:
Inborn genetic diseases. Identifiers: MedGen C0950123, MeSH D030342.

Submission:

Ambry Genetics
Classification: Uncertain significance for Inborn genetic diseases. Last evaluated: 2025-06-20. Review status: criteria provided, single submitter. Criteria: Ambry Variant Classification Scheme 2023. Collection method: clinical testing. Allele origin: germline.
Comment: The c.4592A>G (p.H1531R) alteration is located in exon 40 (coding exon 39) of the NALCN gene. This alteration results from an A to G substitution at nucleotide position 4592, causing the histidine (H) at amino acid position 1531 to be replaced by an arginine (R). This variant was not reported in population-based cohorts in the Genome Aggregation Database (gnomAD). This amino acid position is highly conserved in available vertebrate species. This missense alteration is located in a region that has a low rate of benign missense variation (Lek, 2016; Firth, 2009). This alteration is predicted to be deleterious by in silico analysis. Based on insufficient or conflicting evidence, the clinical significance of this alteration remains unclear.

NM_052867.4(NALCN):c.4592A>G (p.His1531Arg)

Gene: NALCN (sodium leak channel, non-selective; minus strand). Cytogenetic location: 13q32.3.
Variant type: single nucleotide variant.
Coding change: c.4592A>G on transcript NM_052867.4 (MANE Select); coding-DNA position 4592, A replaced by G.
Protein change: p.His1531Arg; replaces histidine 1531 with arginine.
Molecular consequence: missense variant.
Genome position (GRCh38, 1-based): chr13:101,065,416, T>C on the plus strand (A>G on the coding strand, the complement: NALCN is on the minus strand). VCF-style: chr13-101065416-T-C. GRCh37 (hg19) VCF-style: chr13-101717768-T-C.
Other names: c.4679A>G, p.His1560Arg (NM_001350748.2); c.4592A>G, p.His1531Arg (NM_001350749.2); c.4505A>G, p.His1502Arg (NM_001350750.2, NM_001350751.2); short protein forms H1502R, H1531R, H1560R.
Identifiers: ClinVar variation 3917134 (VCV003917134.2).
Genomic context (GRCh38, chr13:101,065,416, plus strand): 5'-GCTGTGGTTTCTGGCCCCCATTCAGCCCTGCGAAAGCCTGCCTTGTACCTCAGGACATCA[T>C]GGAAGGTGACGTCGCCGCCATTGTGGAGCCTCTCCATTTCGTAGCACATGTGCTTAAACA-3'
Protein context (NP_443099.1, residues 1521-1541): RLHNGGDVTF[His1531Arg]DVLSMLSYRS